The following is an entry in ClinVar:

NM_017763.6(RNF43):c.1725C>T (p.Val575=)

Gene: RNF43 (ring finger protein 43; minus strand). Cytogenetic location: 17q22.
Variant type: single nucleotide variant.
Coding change: c.1725C>T on transcript NM_017763.6 (MANE Select); coding-DNA position 1725, C replaced by T.
Protein change: p.Val575=; no amino-acid change (valine 575 retained).
Molecular consequence: synonymous variant.
Genome position (GRCh38, 1-based): chr17:58,358,051, G>A on the plus strand (C>T on the coding strand, the complement: RNF43 is on the minus strand). VCF-style: chr17-58358051-G-A. GRCh37 (hg19) VCF-style: chr17-56435412-G-A.
Other names: c.1725C>T, p.Val575= (NM_001305544.3, NM_001438820.1, NM_001438821.1 and 1 more transcripts); c.1344C>T, p.Val448= (NM_001305545.2, NM_001437987.1).
Identifiers: ClinVar variation 4155738 (VCV004155738.2).

ClinVar aggregate classification (germline): Benign/Likely benign. Review status: criteria provided, multiple submitters, no conflicts (2 of 4 stars). 2 submissions from 2 submitters: Benign (1); Likely benign (1). Last evaluated 2026-07-02.

Conditions:
Sessile serrated polyposis cancer syndrome (SSPCS). Identifiers: Orphanet 157798, MedGen C4310714, MONDO:0014919, OMIM 617108.

gnomAD v4.1: 4 of 1,590,624 alleles (0.00025%); highest among the groups gnomAD compares: East Asian, 0.0022%; no homozygotes.

Submissions (2):

Myriad Genetics, Inc.
Classification: Benign for Sessile serrated polyposis cancer syndrome. Last evaluated: 2026-07-02. Review status: criteria provided, single submitter. Criteria: Myriad Autosomal Dominant, Autosomal Recessive and X-Linked Classification Criteria (2023). Collection method: clinical testing. Allele origin: unknown.
Comment: This variant is considered benign. This variant is a silent/synonymous amino acid change and it is not expected to impact splicing.

Ambry Genetics
Classification: Likely benign. Last evaluated: 2025-07-04. Review status: criteria provided, single submitter. Criteria: Ambry Variant Classification Scheme 2023. Collection method: clinical testing. Allele origin: germline.